The following is an entry in ClinVar:

ClinVar aggregate classification (germline): Uncertain significance (1 of 4 stars; one submission).

Conditions:
Neurofibromatosis, type 1 (NF1). Also called: Peripheral type neurofibromatosis; Neurofibromatosis, type I; VON RECKLINGHAUSEN DISEASE; NEUROFIBROMATOSIS, TYPE I, SOMATIC. Identifiers: Orphanet 636, MedGen C0027831, MONDO:0018975, OMIM 162200. Disease mechanism: loss of function.

Allele frequency attached by ClinVar (database versions not stated): TOPMed below 0.00001.

Submission:

Labcorp Genetics (formerly Invitae), Labcorp
Classification: Uncertain significance for Neurofibromatosis, type 1. Last evaluated: 2026-01-05. Review status: criteria provided, single submitter. Criteria: Invitae Variant Classification Sherloc (09022015). Collection method: clinical testing. Allele origin: germline.
Comment: This sequence change replaces proline, which is neutral and non-polar, with serine, which is neutral and polar, at codon 1323 of the NF1 protein (p.Pro1323Ser). This variant is not present in population databases (gnomAD no frequency). This variant has not been reported in the literature in individuals affected with NF1-related conditions. ClinVar contains an entry for this variant (Variation ID: 945186). Invitae Evidence Modeling of protein sequence and biophysical properties (such as structural, functional, and spatial information, amino acid conservation, physicochemical variation, residue mobility, and thermodynamic stability) has been performed for this missense variant. However, the output from this modeling did not meet the statistical confidence thresholds required to predict the impact of this variant on NF1 protein function. In summary, the available evidence is currently insufficient to determine the role of this variant in disease. Therefore, it has been classified as a Variant of Uncertain Significance.

NM_001042492.3(NF1):c.3967C>T (p.Pro1323Ser)

Gene: NF1 (neurofibromin 1; plus strand). Cytogenetic location: 17q11.2.
Variant type: single nucleotide variant.
Coding change: c.3967C>T on transcript NM_001042492.3 (MANE Select); coding-DNA position 3967, C replaced by T.
Protein change: p.Pro1323Ser; replaces proline 1323 with serine.
Molecular consequence: missense variant.
Genome position (GRCh38, 1-based): chr17:31,236,014, C>T. VCF-style: chr17-31236014-C-T. GRCh37 (hg19) VCF-style: chr17-29563032-C-T.
Other names: c.3967C>T, p.Pro1323Ser (NM_000267.4); short protein forms P1323S.
Identifiers: ClinVar variation 945186 (VCV000945186.6), dbSNP rs2067195656, ClinGen allele CA398993331.
Genomic context (GRCh38, chr17:31,236,014, plus strand): 5'-CCTTTATTACGAATTGTGATCACATCCTCTGATTGGCAACATGTTAGCTTTGAAGTGGAT[C>T]CTACCAGGTTTGTCATCTTTTCACATAGAACCGCTGTTTTTTGTTTTTTTTTTTTTGTTT-3'
Protein context (NP_001035957.1, residues 1313-1333): DWQHVSFEVD[Pro1323Ser]TRLEPSESLE